The following is an entry in ClinVar:

NM_000135.4(FANCA):c.4064A>G (p.His1355Arg)

Genes: FANCA (FA complementation group A; minus strand), ZNF276 (zinc finger protein 276; plus strand). Cytogenetic location: 16q24.3.
Variant type: single nucleotide variant.
Coding change: c.4064A>G on transcript NM_000135.4 (MANE Select); coding-DNA position 4064, A replaced by G.
Protein change: p.His1355Arg; replaces histidine 1355 with arginine.
Molecular consequence: missense variant. On other transcripts: 3 prime UTR variant (2), non-coding transcript variant (4).
Genome position (GRCh38, 1-based): chr16:89,739,236, T>C on the plus strand (A>G on the coding strand, the complement: FANCA is on the minus strand). VCF-style: chr16-89739236-T-C. GRCh37 (hg19) VCF-style: chr16-89805644-T-C.
Other names: c.4064A>G, p.His1355Arg (NM_001286167.3); c.*990T>C (NM_001113525.2, NM_152287.4); short protein forms H1355R.
Identifiers: ClinVar variation 2086248 (VCV002086248.3), dbSNP rs145886270, ClinGen allele CA397484554.

ClinVar aggregate classification (germline): Uncertain significance (1 of 4 stars; one submission).

Conditions:
Fanconi anemia (FA). Also called: Fanconi's anemia. Identifiers: Orphanet 84, MedGen C0015625, MeSH D005199, MONDO:0019391.

gnomAD v4.1: 1 of 1,614,150 alleles (0.000062%); highest among the groups gnomAD compares: Non-Finnish European, 0.000085%; no homozygotes.

Submission:

Labcorp Genetics (formerly Invitae), Labcorp
Classification: Uncertain significance for Fanconi anemia. Last evaluated: 2024-04-29. Review status: criteria provided, single submitter. Criteria: Invitae Variant Classification Sherloc (09022015). Collection method: clinical testing. Allele origin: germline.
Comment: This sequence change replaces histidine, which is basic and polar, with arginine, which is basic and polar, at codon 1355 of the FANCA protein (p.His1355Arg). This variant is not present in population databases (gnomAD no frequency). This variant has not been reported in the literature in individuals affected with FANCA-related conditions. ClinVar contains an entry for this variant (Variation ID: 2086248). Advanced modeling of protein sequence and biophysical properties (such as structural, functional, and spatial information, amino acid conservation, physicochemical variation, residue mobility, and thermodynamic stability) performed at Invitae indicates that this missense variant is not expected to disrupt FANCA protein function with a negative predictive value of 80%. In summary, the available evidence is currently insufficient to determine the role of this variant in disease. Therefore, it has been classified as a Variant of Uncertain Significance.